The following is an entry in ClinVar:

NM_007055.4(POLR3A):c.1611G>T (p.Pro537=)

Gene: POLR3A (RNA polymerase III subunit A; minus strand). Cytogenetic location: 10q22.3.
Variant type: single nucleotide variant.
Coding change: c.1611G>T on transcript NM_007055.4 (MANE Select); coding-DNA position 1611, G replaced by T.
Protein change: p.Pro537=; no amino-acid change (proline 537 retained).
Molecular consequence: synonymous variant.
Genome position (GRCh38, 1-based): chr10:78,010,502, C>A on the plus strand (G>T on the coding strand, the complement: POLR3A is on the minus strand). VCF-style: chr10-78010502-C-A. GRCh37 (hg19) VCF-style: chr10-79770260-C-A.
Other names: c.1611G>T (NM_007055.3).
Identifiers: ClinVar variation 2062228 (VCV002062228.6), dbSNP rs757260872, ClinGen allele CA5571386.

ClinVar aggregate classification (germline): Likely benign. Review status: criteria provided, single submitter (1 of 4 stars). 2 submissions from 2 submitters: Likely benign (1). 1 of the submissions does not count toward it. Last evaluated 2026-01-18.

Conditions:
POLR3A-related disorder. Also called: POLR3A-related disorders; POLR3A-related condition. Identifiers: MedGen CN378587, MONDO:0700276.

Allele frequency attached by ClinVar (database versions not stated): TOPMed 0.00003.
gnomAD v4.1: 98 of 1,613,848 alleles (0.0061%); highest among the groups gnomAD compares: Non-Finnish European, 0.0079%; no homozygotes.

Submissions (2):

Labcorp Genetics (formerly Invitae), Labcorp
Classification: Likely benign. Last evaluated: 2026-01-18. Review status: criteria provided, single submitter. Criteria: Invitae Variant Classification Sherloc (09022015). Collection method: clinical testing. Allele origin: germline.

PreventionGenetics, part of Exact Sciences
Classification: Likely benign for POLR3A-related condition. Last evaluated: 2019-08-13. Review status: no assertion criteria provided. Collection method: clinical testing. Allele origin: germline. Not counted in ClinVar's aggregate classification.
Comment: This variant is classified as likely benign based on ACMG/AMP sequence variant interpretation guidelines (Richards et al. 2015 PMID: 25741868, with internal and published modifications).